The following is an entry in ClinVar:

NM_000507.4(FBP1):c.826-9G>C

Gene: FBP1 (fructose-bisphosphatase 1; minus strand). Cytogenetic location: 9q22.32.
Variant type: single nucleotide variant.
Coding change: c.826-9G>C on transcript NM_000507.4 (MANE Select); 9 bases into the intron before coding-DNA position 826, G replaced by C.
Molecular consequence: intron variant.
Genome position (GRCh38, 1-based): chr9:94,603,581, C>G on the plus strand (G>C on the coding strand, the complement: FBP1 is on the minus strand). VCF-style: chr9-94603581-C-G. GRCh37 (hg19) VCF-style: chr9-97365863-C-G.
Other names: p.?; c.826-9G>C (NM_001127628.2).
Identifiers: ClinVar variation 137367 (VCV000137367.15), dbSNP rs200948424, ClinGen allele CA290925.

ClinVar aggregate classification (germline): Benign/Likely benign. Review status: criteria provided, multiple submitters, no conflicts (2 of 4 stars). 4 submissions from 4 submitters: Benign (3); Likely benign (1). Last evaluated 2026-01-28.

Conditions:
Fructose-biphosphatase deficiency (FBP1D). Also called: Fructose-1,6-Bisphosphatase 1 Deficiency; Fructose 1,6 Bisphosphatase Deficiency; Fructose-1,6-Diphosphatase Deficiency. Identifiers: Orphanet 348, MedGen C0016756, MONDO:0009251, OMIM 229700.

Allele frequency attached by ClinVar (database versions not stated): TOPMed 0.00037; gnomAD 0.00135 and 0.00008; 1000 Genomes Project 0.00779; ExAC 0.00684; gnomAD exomes 0.00593 and 0.00297; 1000 Genomes Project 30x 0.00750; ESP Exome Variant Server 0.00008.
gnomAD v4.1: 4,531 of 1,613,914 alleles (0.28%); highest among the groups gnomAD compares: South Asian, 4.6%; 136 homozygotes.

Submissions (4):

Labcorp Genetics (formerly Invitae), Labcorp
Classification: Benign for Fructose-biphosphatase deficiency. Last evaluated: 2026-01-28. Review status: criteria provided, single submitter. Criteria: Invitae Variant Classification Sherloc (09022015). Collection method: clinical testing. Allele origin: germline.

Mayo Clinic Laboratories, Mayo Clinic
Classification: Benign. Last evaluated: 2025-05-20. Review status: criteria provided, single submitter. Criteria: ACMG Guidelines, 2015. Collection method: clinical testing. Allele origin: germline. Observed: 2 variant alleles.
Comment: BA1

Illumina Laboratory Services, Illumina
Classification: Likely benign for Fructose-biphosphatase deficiency. Last evaluated: 2018-01-12. Review status: criteria provided, single submitter. Criteria: ICSL Variant Classification Criteria 13 December 2019. Collection method: clinical testing. Allele origin: germline.
Comment: This variant was observed in the ICSL laboratory as part of a predisposition screen in an ostensibly healthy population. It had not been previously curated by ICSL or reported in the Human Gene Mutation Database (HGMD: prior to June 1st, 2018), and was therefore a candidate for classification through an automated scoring system. Utilizing variant allele frequency, disease prevalence and penetrance estimates, and inheritance mode, an automated score was calculated to assess if this variant is too frequent to cause the disease. Based on the score and internal cut-off values, a variant classified as likely benign is not then subjected to further curation. The score for this variant resulted in a classification of likely benign for this disease.

GeneDx
Classification: Benign. Last evaluated: 2013-07-22. Review status: criteria provided, single submitter. Criteria: GeneDx Variant Classification (06012015). Collection method: clinical testing. Allele origin: germline. Affected: yes.
Comment: This variant is considered likely benign or benign based on one or more of the following criteria: it is a conservative change, it occurs at a poorly conserved position in the protein, it is predicted to be benign by multiple in silico algorithms, and/or has population frequency not consistent with disease.